The following is an entry in ClinVar:

ClinVar aggregate classification (germline): Uncertain significance (1 of 4 stars; one submission).

Conditions:
Duchenne muscular dystrophy (DMD). Also called: MUSCULAR DYSTROPHY, PSEUDOHYPERTROPHIC PROGRESSIVE, DUCHENNE TYPE; Duchenne Muscular Dystrophy (DMD). Identifiers: Orphanet 98896, MedGen C0013264, MONDO:0010679, OMIM 310200.

Submission:

Labcorp Genetics (formerly Invitae), Labcorp
Classification: Uncertain significance for Duchenne muscular dystrophy. Last evaluated: 2023-10-30. Review status: criteria provided, single submitter. Criteria: Invitae Variant Classification Sherloc (09022015). Collection method: clinical testing. Allele origin: unknown.
Comment: This variant results in a copy number gain of the genomic region encompassing exon(s) 29 of the DMD gene. While the exact position of this variant cannot be determined from the data, sub-genic copy number gains are generally in tandem (PMID: 25640679). This variant is predicted to be in-frame, and likely preserves the integrity of the reading frame. This variant has not been reported in the literature in individuals affected with DMD-related conditions. Experimental studies and prediction algorithms are not available or were not evaluated, and the functional significance of this variant is currently unknown. In summary, the available evidence is currently insufficient to determine the role of this variant in disease. Therefore, it has been classified as a Variant of Uncertain Significance.

Literature cited by the submitters: PubMed 25640679.

NC_000023.10:g.(?_32456338)_(32456527_?)dup

Gene: DMD (dystrophin; minus strand). Cytogenetic location: Xp21.1.
Variant type: Duplication.
Identifiers: ClinVar variation 3242679 (VCV003242679.1).